The following is an entry in ClinVar:

NM_014679.5(CEP57):c.896C>A (p.Pro299His)

Gene: CEP57 (centrosomal protein 57; plus strand). Cytogenetic location: 11q21.
Variant type: single nucleotide variant.
Coding change: c.896C>A on transcript NM_014679.5 (MANE Select); coding-DNA position 896, C replaced by A.
Protein change: p.Pro299His; replaces proline 299 with histidine.
Molecular consequence: missense variant.
Genome position (GRCh38, 1-based): chr11:95,827,796, C>A. VCF-style: chr11-95827796-C-A. GRCh37 (hg19) VCF-style: chr11-95560960-C-A.
Other names: c.869C>A, p.Pro290His (NM_001243776.2); c.818C>A, p.Pro273His (NM_001243777.2); c.815C>A, p.Pro272His (NM_001363604.2); short protein forms P272H, P273H, P290H, P299H.
Identifiers: ClinVar variation 998313 (VCV000998313.10), dbSNP rs776778777, ClinGen allele CA6239645.

ClinVar aggregate classification (germline): Uncertain significance. Review status: criteria provided, multiple submitters, no conflicts (2 of 4 stars). 3 submissions from 3 submitters: Uncertain significance (3). Last evaluated 2025-06-08.

Conditions:
Inborn genetic diseases. Identifiers: MedGen C0950123, MeSH D030342.
Mosaic variegated aneuploidy syndrome 2 (MVA2). Identifiers: Orphanet 1052, MedGen C3279843, MONDO:0013582, OMIM 614114.

Allele frequency attached by ClinVar (database versions not stated): ExAC 0.00006.
gnomAD v4.1: 47 of 1,614,028 alleles (0.0029%); highest among the groups gnomAD compares: Non-Finnish European, 0.0031%; no homozygotes.

Submissions (3):

Labcorp Genetics (formerly Invitae), Labcorp
Classification: Uncertain significance for Mosaic variegated aneuploidy syndrome 2. Last evaluated: 2025-06-08. Review status: criteria provided, single submitter. Criteria: Invitae Variant Classification Sherloc (09022015). Collection method: clinical testing. Allele origin: germline.
Comment: This sequence change replaces proline, which is neutral and non-polar, with histidine, which is basic and polar, at codon 299 of the CEP57 protein (p.Pro299His). This variant is present in population databases (rs776778777, gnomAD 0.007%). This variant has not been reported in the literature in individuals affected with CEP57-related conditions. ClinVar contains an entry for this variant (Variation ID: 998313). Invitae Evidence Modeling of protein sequence and biophysical properties (such as structural, functional, and spatial information, amino acid conservation, physicochemical variation, residue mobility, and thermodynamic stability) has been performed for this missense variant. However, the output from this modeling did not meet the statistical confidence thresholds required to predict the impact of this variant on CEP57 protein function. In summary, the available evidence is currently insufficient to determine the role of this variant in disease. Therefore, it has been classified as a Variant of Uncertain Significance.

Ambry Genetics
Classification: Uncertain significance for Inborn genetic diseases. Last evaluated: 2024-11-23. Review status: criteria provided, single submitter. Criteria: Ambry Variant Classification Scheme 2023. Collection method: clinical testing. Allele origin: germline.
Comment: The p.P299H variant (also known as c.896C>A), located in coding exon 9 of the CEP57 gene, results from a C to A substitution at nucleotide position 896. The proline at codon 299 is replaced by histidine, an amino acid with similar properties. This amino acid position is conserved. In addition, the in silico prediction for this alteration is inconclusive. Based on the available evidence, the clinical significance of this variant remains unclear.

Baylor Genetics
Classification: Uncertain significance for Mosaic variegated aneuploidy syndrome 2. Last evaluated: 2019-07-09. Review status: criteria provided, single submitter. Criteria: ACMG Guidelines, 2015. Collection method: clinical testing. Allele origin: unknown. Affected: yes. Study: CSER-TexasKidsCanSeq.
Comment: This variant was determined to be of uncertain significance according to ACMG Guidelines, 2015 [PMID:25741868].